The following is an entry in ClinVar:

ClinVar aggregate classification (germline): Uncertain significance (1 of 4 stars; one submission).

Conditions:
Cystic fibrosis (CF). Also called: MUCOVISCIDOSIS. Identifiers: Orphanet 586, MedGen C0010674, MONDO:0009061, OMIM 219700. Disease mechanism: loss of function.

Submission:

Ambry Genetics
Classification: Uncertain significance for Cystic fibrosis. Last evaluated: 2025-04-29. Review status: criteria provided, single submitter. Criteria: Ambry Variant Classification Scheme 2023. Collection method: clinical testing. Allele origin: germline.
Comment: The p.S753G variant (also known as c.2257A>G), located in coding exon 14 of the CFTR gene, results from an A to G substitution at nucleotide position 2257. The serine at codon 753 is replaced by glycine, an amino acid with similar properties. This amino acid position is conserved. In addition, the in silico prediction for this alteration is inconclusive. Based on the available evidence, the clinical significance of this variant remains unclear.

NM_000492.4(CFTR):c.2257A>G (p.Ser753Gly)

Gene: CFTR (CF transmembrane conductance regulator; plus strand). Cytogenetic location: 7q31.2.
Variant type: single nucleotide variant.
Coding change: c.2257A>G on transcript NM_000492.4 (MANE Select); coding-DNA position 2257, A replaced by G.
Protein change: p.Ser753Gly; replaces serine 753 with glycine.
Molecular consequence: missense variant.
Genome position (GRCh38, 1-based): chr7:117,592,424, A>G. VCF-style: chr7-117592424-A-G. GRCh37 (hg19) VCF-style: chr7-117232478-A-G.
Other names: short protein forms S753G.
Identifiers: ClinVar variation 4001854 (VCV004001854.1).
Genomic context (GRCh38, chr7:117,592,424, plus strand): 5'-GAGAGAAGGCTGTCCTTAGTACCAGATTCTGAGCAGGGAGAGGCGATACTGCCTCGCATC[A>G]GCGTGATCAGCACTGGCCCCACGCTTCAGGCACGAAGGAGGCAGTCTGTCCTGAACCTGA-3'
Protein context (NP_000483.3, residues 743-763): EQGEAILPRI[Ser753Gly]VISTGPTLQA